The following is an entry in ClinVar:

ClinVar aggregate classification (germline): Uncertain significance (1 of 4 stars; one submission).

Conditions:
Rubinstein-Taybi syndrome (RSTS). Identifiers: Orphanet 783, MedGen C0035934, MONDO:0019188.

Submission:

Labcorp Genetics (formerly Invitae), Labcorp
Classification: Uncertain significance for Rubinstein-Taybi syndrome. Last evaluated: 2025-11-03. Review status: criteria provided, single submitter. Criteria: Invitae Variant Classification Sherloc (09022015). Collection method: clinical testing. Allele origin: germline.
Comment: This sequence change replaces serine, which is neutral and polar, with arginine, which is basic and polar, at codon 1923 of the CREBBP protein (p.Ser1923Arg). This variant is not present in population databases (gnomAD no frequency). This variant has not been reported in the literature in individuals affected with CREBBP-related conditions. Invitae Evidence Modeling of protein sequence and biophysical properties (such as structural, functional, and spatial information, amino acid conservation, physicochemical variation, residue mobility, and thermodynamic stability) indicates that this missense variant is not expected to disrupt CREBBP protein function with a negative predictive value of 95%. In summary, the available evidence is currently insufficient to determine the role of this variant in disease. Therefore, it has been classified as a Variant of Uncertain Significance.

NM_004380.3(CREBBP):c.5767A>C (p.Ser1923Arg)

Gene: CREBBP (CREB binding lysine acetyltransferase; minus strand). Cytogenetic location: 16p13.3.
Variant type: single nucleotide variant.
Coding change: c.5767A>C on transcript NM_004380.3 (MANE Select); coding-DNA position 5767, A replaced by C.
Protein change: p.Ser1923Arg; replaces serine 1923 with arginine.
Molecular consequence: missense variant.
Genome position (GRCh38, 1-based): chr16:3,729,280, T>G on the plus strand (A>C on the coding strand, the complement: CREBBP is on the minus strand). VCF-style: chr16-3729280-T-G. GRCh37 (hg19) VCF-style: chr16-3779281-T-G.
Other names: c.5653A>C, p.Ser1885Arg (NM_001079846.1); short protein forms S1885R, S1923R.
Identifiers: ClinVar variation 4747495 (VCV004747495.1).